The following is an entry in ClinVar:

NM_013254.4(TBK1):c.1364A>T (p.Asn455Ile)

Gene: TBK1 (TANK binding kinase 1; plus strand). Cytogenetic location: 12q14.2.
Variant type: single nucleotide variant.
Coding change: c.1364A>T on transcript NM_013254.4 (MANE Select); coding-DNA position 1364, A replaced by T.
Protein change: p.Asn455Ile; replaces asparagine 455 with isoleucine.
Molecular consequence: missense variant.
Genome position (GRCh38, 1-based): chr12:64,488,510, A>T. VCF-style: chr12-64488510-A-T. GRCh37 (hg19) VCF-style: chr12-64882290-A-T.
Other names: short protein forms N455I.
Identifiers: ClinVar variation 2719690 (VCV002719690.3), dbSNP rs754309189, ClinGen allele CA6669045.

ClinVar aggregate classification (germline): Uncertain significance (1 of 4 stars; one submission).

Conditions:
Frontotemporal dementia and/or amyotrophic lateral sclerosis 4. Also called: FTDALS4. Identifiers: Orphanet 275872, MedGen C4225325, MONDO:0014641, OMIM 616439.

gnomAD v4.1: 7 of 1,597,284 alleles (0.00044%); highest among the groups gnomAD compares: African/African-American, 0.0067%; no homozygotes.

Submission:

Labcorp Genetics (formerly Invitae), Labcorp
Classification: Uncertain significance for Frontotemporal dementia and/or amyotrophic lateral sclerosis 4. Last evaluated: 2024-02-14. Review status: criteria provided, single submitter. Criteria: Invitae Variant Classification Sherloc (09022015). Collection method: clinical testing. Allele origin: germline.
Comment: This sequence change replaces asparagine, which is neutral and polar, with isoleucine, which is neutral and non-polar, at codon 455 of the TBK1 protein (p.Asn455Ile). This variant is present in population databases (rs754309189, gnomAD 0.007%). This variant has not been reported in the literature in individuals affected with TBK1-related conditions. Advanced modeling of protein sequence and biophysical properties (such as structural, functional, and spatial information, amino acid conservation, physicochemical variation, residue mobility, and thermodynamic stability) performed at Invitae indicates that this missense variant is not expected to disrupt TBK1 protein function with a negative predictive value of 95%. In summary, the available evidence is currently insufficient to determine the role of this variant in disease. Therefore, it has been classified as a Variant of Uncertain Significance.